The following is an entry in ClinVar:

NM_014363.6(SACS):c.8807del (p.Gly2936fs)

Gene: SACS (sacsin molecular chaperone; minus strand). Cytogenetic location: 13q12.12.
Variant type: Deletion.
Coding change: c.8807del on transcript NM_014363.6 (MANE Select); coding-DNA position 8807, one base deleted (G; older notation c.8807delG).
Protein change: p.Gly2936fs; shifts the reading frame from glycine 2936.
Molecular consequence: frameshift variant.
Genome position (GRCh38, 1-based): chr13:23,335,069, C deleted on the plus strand (G on the coding strand, the reverse complement: SACS is on the minus strand); the first of 2 consecutive C bases (chr13:23,335,069-23,335,070); deleting either gives the same sequence. VCF-style (leftmost placement, unchanged base first): chr13-23335068-AC-A. GRCh37 (hg19) VCF-style: chr13-23909207-AC-A.
Other names: c.8366del, p.Gly2789fs (NM_001278055.2); short protein forms G2789fs, G2936fs.
Identifiers: ClinVar variation 2678551 (VCV002678551.4), dbSNP rs2542211771, ClinGen allele CA2695199227.

ClinVar aggregate classification (germline): Pathogenic/Likely pathogenic. Review status: criteria provided, multiple submitters, no conflicts (2 of 4 stars). 2 submissions from 2 submitters: Pathogenic (1); Likely pathogenic (1). Last evaluated 2023-07-03.

Conditions:
Charlevoix-Saguenay spastic ataxia (SACS). Also called: Spastic ataxia of Charlevoix-Saguenay; AUTOSOMAL RECESSIVE SPASTIC ATAXIA OF CHARLEVOIX-SAGUENAY; SPASTIC ATAXIA 6, AUTOSOMAL RECESSIVE. Identifiers: Orphanet 98, MedGen C1849140, MONDO:0010041, OMIM 270550.
Spastic paraplegia. Identifiers: MedGen C0037772, HP:0001258.

Submissions (2):

Labcorp Genetics (formerly Invitae), Labcorp
Classification: Pathogenic for Spastic paraplegia. Last evaluated: 2023-07-03. Review status: criteria provided, single submitter. Criteria: Invitae Variant Classification Sherloc (09022015). Collection method: clinical testing. Allele origin: germline.
Comment: This sequence change creates a premature translational stop signal (p.Gly2936Valfs*17) in the SACS gene. While this is not anticipated to result in nonsense mediated decay, it is expected to disrupt the last 1644 amino acid(s) of the SACS protein. This variant is not present in population databases (gnomAD no frequency). This variant has not been reported in the literature in individuals affected with SACS-related conditions. This variant disrupts a region of the SACS protein in which other variant(s) (p.Ile2949Phefs*4) have been determined to be pathogenic (PMID: 10655055, 11788093, 22307627). This suggests that this is a clinically significant region of the protein, and that variants that disrupt it are likely to be disease-causing. For these reasons, this variant has been classified as Pathogenic.

Baylor Genetics
Classification: Likely pathogenic for Charlevoix-Saguenay spastic ataxia. Last evaluated: 2023-04-03. Review status: criteria provided, single submitter. Criteria: ACMG Guidelines, 2015. Collection method: clinical testing. Allele origin: unknown.

Literature cited by the submitters: PubMed 10655055 (cited by Labcorp Genetics (formerly Invitae), Labcorp); PubMed 11788093 (cited by Labcorp Genetics (formerly Invitae), Labcorp); PubMed 22307627 (cited by Labcorp Genetics (formerly Invitae), Labcorp).